The following is an entry in ClinVar:

ClinVar aggregate classification (germline): Uncertain significance. Review status: criteria provided, multiple submitters, no conflicts (2 of 4 stars). 2 submissions from 2 submitters: Uncertain significance (2). Last evaluated 2025-07-06.

Conditions:
Intellectual developmental disorder, autosomal dominant 46. Also called: Intellectual disability, autosomal dominant 46; MENTAL RETARDATION, AUTOSOMAL DOMINANT 46. Identifiers: MedGen C4539851, MONDO:0030911, OMIM 617601.

Allele frequency attached by ClinVar (database versions not stated): gnomAD 0.00001; TOPMed 0.00001; gnomAD exomes below 0.00001.
gnomAD v4.1: 2 of 1,244,750 alleles (0.00016%); highest among the groups gnomAD compares: Non-Finnish European, 0.0002%; no homozygotes.

Submissions (2):

Labcorp Genetics (formerly Invitae), Labcorp
Classification: Uncertain significance. Last evaluated: 2025-07-06. Review status: criteria provided, single submitter. Criteria: Invitae Variant Classification Sherloc (09022015). Collection method: clinical testing. Allele origin: germline.
Comment: This sequence change replaces tryptophan, which is neutral and slightly polar, with arginine, which is basic and polar, at codon 17 of the KCNQ5 protein (p.Trp17Arg). This variant is not present in population databases (gnomAD no frequency). This variant has not been reported in the literature in individuals affected with KCNQ5-related conditions. ClinVar contains an entry for this variant (Variation ID: 932094). An algorithm developed to predict the effect of missense changes on protein structure and function (PolyPhen-2) suggests that this variant is likely to be disruptive. In summary, the available evidence is currently insufficient to determine the role of this variant in disease. Therefore, it has been classified as a Variant of Uncertain Significance.

Centre for Mendelian Genomics, University Medical Centre Ljubljana
Classification: Uncertain significance for Intellectual developmental disorder, autosomal dominant 46. Last evaluated: 2019-06-21. Review status: criteria provided, single submitter. Criteria: ACMG Guidelines, 2015. Collection method: clinical testing. Allele origin: unknown. Affected: yes.
Comment: This variant was classified as: Uncertain significance. The available evidence favors the pathogenic nature of this variant, however the currently available data is insufficient to conclusively support its pathogenic nature. Thus this variant is classified as Uncertain significance - favor pathogenic. The following ACMG criteria were applied in classifying this variant: PM2,PP3.

NM_019842.4(KCNQ5):c.49T>C (p.Trp17Arg)

Genes: KCNQ5 (potassium voltage-gated channel subfamily Q member 5; plus strand), KCNQ5-DT (KCNQ5 divergent transcript; minus strand), LOC129996711 (ATAC-STARR-seq lymphoblastoid silent region 17329; plus strand). Cytogenetic location: 6q13.
Variant type: single nucleotide variant.
Coding change: c.49T>C on transcript NM_019842.4 (MANE Select); coding-DNA position 49, T replaced by C.
Protein change: p.Trp17Arg; replaces tryptophan 17 with arginine.
Molecular consequence: missense variant.
Genome position (GRCh38, 1-based): chr6:72,622,238, T>C. VCF-style: chr6-72622238-T-C. GRCh37 (hg19) VCF-style: chr6-73331966-T-C.
Other names: c.49T>C, p.Trp17Arg (NM_001160130.2, NM_001160132.2, NM_001160133.2 and 1 more transcripts); short protein forms W17R.
Identifiers: ClinVar variation 932094 (VCV000932094.4), dbSNP rs971617867, ClinGen allele CA141452107.